The following is an entry in ClinVar:

NM_001291415.2(KDM6A):c.3074T>C (p.Leu1025Pro)

Gene: KDM6A (lysine demethylase 6A; plus strand). Cytogenetic location: Xp11.3.
Variant type: single nucleotide variant.
Coding change: c.3074T>C on transcript NM_001291415.2 (MANE Select); coding-DNA position 3074, T replaced by C.
Protein change: p.Leu1025Pro; replaces leucine 1025 with proline.
Molecular consequence: missense variant. On other transcripts: non-coding transcript variant (1).
Genome position (GRCh38, 1-based): chrX:45,078,485, T>C. VCF-style: chrX-45078485-T-C. GRCh37 (hg19) VCF-style: chrX-44937730-T-C.
Other names: c.2939T>C, p.Leu980Pro (NM_001291416.2, NM_001419811.1); c.2783T>C, p.Leu928Pro (NM_001291417.2); c.2681T>C, p.Leu894Pro (NM_001291418.2, NM_001419815.1); c.2030T>C, p.Leu677Pro (NM_001291421.2); c.2816T>C, p.Leu939Pro (NM_001410742.1, NM_001419814.1); c.3074T>C, p.Leu1025Pro (NM_001419809.1); c.2972T>C, p.Leu991Pro (NM_001419810.1, NM_001419813.1); c.2918T>C, p.Leu973Pro (NM_001419812.1, NM_021140.4); short protein forms L991P, L1025P, L928P, L980P, L894P, L939P, L677P, L973P.
Identifiers: ClinVar variation 2844102 (VCV002844102.3), dbSNP rs2523143245, ClinGen allele CA412799701.
Genomic context (GRCh38, chrX:45,078,485, plus strand): 5'-TTCCTCCATTACATCAATTTTGTACAAATCCGAACAACCCTGTTACAGTAATACGTGGCC[T>C]TGCTGGAGCTCTTAAGTTAGGTAAGCCTTAAATTAAAAAAGGAAAACGTTTGTCTCTTTG-3'
Protein context (NP_001278344.1, residues 1015-1035): PNNPVTVIRG[Leu1025Pro]AGALKLDLGL

ClinVar aggregate classification (germline): Uncertain significance (1 of 4 stars; one submission).

Conditions:
Kabuki syndrome 2 (KABUK2). Also called: KDM6A-Related Kabuki Syndrome. Identifiers: Orphanet 2322, MedGen C3275495, MONDO:0010465, OMIM 300867.

Submission:

Labcorp Genetics (formerly Invitae), Labcorp
Classification: Uncertain significance for Kabuki syndrome 2. Last evaluated: 2023-03-08. Review status: criteria provided, single submitter. Criteria: Invitae Variant Classification Sherloc (09022015). Collection method: clinical testing. Allele origin: germline.
Comment: In summary, the available evidence is currently insufficient to determine the role of this variant in disease. Therefore, it has been classified as a Variant of Uncertain Significance. Advanced modeling of protein sequence and biophysical properties (such as structural, functional, and spatial information, amino acid conservation, physicochemical variation, residue mobility, and thermodynamic stability) has been performed at Invitae for this missense variant, however the output from this modeling did not meet the statistical confidence thresholds required to predict the impact of this variant on KDM6A protein function. This variant has not been reported in the literature in individuals affected with KDM6A-related conditions. This variant is not present in population databases (gnomAD no frequency). This sequence change replaces leucine, which is neutral and non-polar, with proline, which is neutral and non-polar, at codon 973 of the KDM6A protein (p.Leu973Pro).